The following is an entry in ClinVar:

NM_001254.4(CDC6):c.1591A>G (p.Lys531Glu)

Gene: CDC6 (cell division cycle 6; plus strand). Cytogenetic location: 17q21.2.
Variant type: single nucleotide variant.
Coding change: c.1591A>G on transcript NM_001254.4 (MANE Select); coding-DNA position 1591, A replaced by G.
Protein change: p.Lys531Glu; replaces lysine 531 with glutamic acid.
Molecular consequence: missense variant.
Genome position (GRCh38, 1-based): chr17:40,301,606, A>G. VCF-style: chr17-40301606-A-G. GRCh37 (hg19) VCF-style: chr17-38457858-A-G.
Other names: short protein forms K531E.
Identifiers: ClinVar variation 889773 (VCV000889773.7), dbSNP rs746864516, ClinGen allele CA8542176.

ClinVar aggregate classification (germline): Uncertain significance. Review status: criteria provided, multiple submitters, no conflicts (2 of 4 stars). 2 submissions from 2 submitters: Uncertain significance (2). Last evaluated 2023-06-10.

Conditions:
Meier-Gorlin syndrome 5 (MGORS5). Identifiers: Orphanet 2554, MedGen C3151126, MONDO:0013432, OMIM 613805.

Allele frequency attached by ClinVar (database versions not stated): gnomAD 0.00001; gnomAD exomes 0.00001 and 0.00002; TOPMed 0.00001; ExAC 0.00002.
gnomAD v4.1: 10 of 1,613,972 alleles (0.00062%); highest among the groups gnomAD compares: Admixed American, 0.01%; no homozygotes.

Submissions (2):

Labcorp Genetics (formerly Invitae), Labcorp
Classification: Uncertain significance. Last evaluated: 2023-06-10. Review status: criteria provided, single submitter. Criteria: Invitae Variant Classification Sherloc (09022015). Collection method: clinical testing. Allele origin: germline.
Comment: This sequence change replaces lysine, which is basic and polar, with glutamic acid, which is acidic and polar, at codon 531 of the CDC6 protein (p.Lys531Glu). This variant is present in population databases (rs746864516, gnomAD 0.009%). This variant has not been reported in the literature in individuals affected with CDC6-related conditions. ClinVar contains an entry for this variant (Variation ID: 889773). An algorithm developed to predict the effect of missense changes on protein structure and function (PolyPhen-2) suggests that this variant is likely to be disruptive. In summary, the available evidence is currently insufficient to determine the role of this variant in disease. Therefore, it has been classified as a Variant of Uncertain Significance.

Illumina Laboratory Services, Illumina
Classification: Uncertain significance for Meier-Gorlin syndrome 5. Last evaluated: 2018-01-15. Review status: criteria provided, single submitter. Criteria: ICSL Variant Classification Criteria 13 December 2019. Collection method: clinical testing. Allele origin: germline.